The following is an entry in ClinVar:

ClinVar aggregate classification (germline): Pathogenic (1 of 4 stars; one submission).

Submission:

GeneDx
Classification: Pathogenic. Last evaluated: 2018-02-08. Review status: criteria provided, single submitter. Criteria: GeneDx Variant Classification (06012015). Collection method: clinical testing. Allele origin: germline. Affected: yes.
Comment: The c.6010-14_6016del21ins1 pathogenic variant in the NSD1 gene has not been reported previously as a pathogenic variant, nor as a benign variant, to our knowledge. The c.6010-14_6016del21ins1 variant results in the deletion of 21 nucleotides and insertion of one nucleotide at the intron 19/exon 20 boundary, which destroys the canonical splice acceptor site in intron 19. It is predicted to cause abnormal gene splicing, either leading to an abnormal message that is subject to nonsense-mediated mRNA decay, or to an abnormal protein product if the message is used for protein translation. The c.6010-14_6016del21ins1 variant is not observed in large population cohorts (Lek et al., 2016). We interpret c.6010-14_6016del21ins1 as a pathogenic variant.

NM_022455.5(NSD1):c.6010-14_6016delinsC

Gene: NSD1 (nuclear receptor binding SET domain protein 1; plus strand). Cytogenetic location: 5q35.3.
Variant type: Indel.
Coding change: c.6010-14_6016delinsC on transcript NM_022455.5 (MANE Select); 14 bases into the intron before coding-DNA position 6010 through coding-DNA position 6016, TTTTGGAATTCTAGGACCGAA replaced by C.
Molecular consequence: splice acceptor variant. On other transcripts: intron variant (1).
Genome position (GRCh38, 1-based): chr5:177,283,773-177,283,793, TTTTGGAATTCTAGGACCGAA replaced by C. VCF-style: chr5-177283773-TTTTGGAATTCTAGGACCGAA-C. GRCh37 (hg19) VCF-style: chr5-176710774-TTTTGGAATTCTAGGACCGAA-C.
Other names: c.6010-14_6016del21insC (NM_022455.4); c.6010-14_6016delinsC (NM_001409301.1, NM_001409302.1, NM_001409303.1); c.5590-14_5596delinsC (NM_001409304.1); c.5257-14_5263delinsC (NM_001409305.1); c.5248-14_5254delinsC (NM_001409306.1, NM_001409307.1); c.5137-14_5143delinsC (NM_001409308.1, NM_172349.5, NM_001365684.2); c.5136+1192_5136+1212delinsC (NM_001409309.1).
Identifiers: ClinVar variation 504335 (VCV000504335.2), dbSNP rs1554204905, ClinGen allele CA658796693.